The following is an entry in ClinVar:

ClinVar aggregate classification (germline): Likely benign (1 of 4 stars; one submission).

Submission:

CeGaT Center for Human Genetics Tuebingen
Classification: Likely benign. Last evaluated: 2023-07-01. Review status: criteria provided, single submitter. Criteria: CeGaT Center For Human Genetics Tuebingen Variant Classification Criteria Version 2. Collection method: clinical testing. Allele origin: germline. Affected: yes. Observed: 1 variant allele.
Comment: SZT2: PM2:Supporting, BP4, BP7

NM_001365999.1(SZT2):c.2355C>T (p.Ser785=)

Gene: SZT2 (SZT2 subunit of KICSTOR complex; plus strand). Cytogenetic location: 1p34.2.
Variant type: single nucleotide variant.
Coding change: c.2355C>T on transcript NM_001365999.1 (MANE Select); coding-DNA position 2355, C replaced by T.
Protein change: p.Ser785=; no amino-acid change (serine 785 retained).
Molecular consequence: synonymous variant.
Genome position (GRCh38, 1-based): chr1:43,424,316, C>T. VCF-style: chr1-43424316-C-T. GRCh37 (hg19) VCF-style: chr1-43889987-C-T.
Other names: c.2355C>T, p.Ser785= (NM_015284.4).
Identifiers: ClinVar variation 2638751 (VCV002638751.24), dbSNP rs2545812885, ClinGen allele CA417435706.
Genomic context (GRCh38, chr1:43,424,316, plus strand): 5'-GCTGACATTGGAGCCACCAGGTCCACTGCCCTTGGTGTCAGGCCGCTCAGCCTCTTCTAG[C>T]CTGGCGTCACTGTCCCGCTACCTCTACCATCAGCGCTGGCTTTGGAGTGTCCCGTCAGGA-3'
Protein context (NP_001352928.1, residues 775-795): PLVSGRSASS[Ser785=]LASLSRYLYH